The following is an entry in ClinVar:

NM_022114.4(PRDM16):c.3453C>T (p.Ala1151=)

Gene: PRDM16 (PR/SET domain 16; plus strand). Cytogenetic location: 1p36.32.
Variant type: single nucleotide variant.
Coding change: c.3453C>T on transcript NM_022114.4 (MANE Select); coding-DNA position 3453, C replaced by T.
Protein change: p.Ala1151=; no amino-acid change (alanine 1151 retained).
Molecular consequence: synonymous variant.
Genome position (GRCh38, 1-based): chr1:3,431,040, C>T. VCF-style: chr1-3431040-C-T. GRCh37 (hg19) VCF-style: chr1-3347604-C-T.
Other names: c.3453C>T, p.Ala1151= (NM_199454.3); c.3453C>T (NM_022114.3).
Identifiers: ClinVar variation 1093018 (VCV001093018.11), dbSNP rs966858972, ClinGen allele CA16990204.

ClinVar aggregate classification (germline): Likely benign. Review status: criteria provided, single submitter (1 of 4 stars). 2 submissions from 2 submitters: Likely benign (1). 1 of the submissions does not count toward it. Last evaluated 2024-04-22.

Conditions:
PRDM16-related disorder. Also called: PRDM16-related condition.
Left ventricular noncompaction 8 (LVNC8). Identifiers: Orphanet 154, Orphanet 54260, MedGen C3809288, MONDO:0014152, OMIM 615373.

Allele frequency attached by ClinVar (database versions not stated): gnomAD exomes 0.00003; gnomAD 0.00010 and 0.00011; TOPMed 0.00011.
gnomAD v4.1: 51 of 1,562,774 alleles (0.0033%); highest among the groups gnomAD compares: Admixed American, 0.029%; no homozygotes.

Submissions (2):

Labcorp Genetics (formerly Invitae), Labcorp
Classification: Likely benign for Left ventricular noncompaction 8. Last evaluated: 2024-04-22. Review status: criteria provided, single submitter. Criteria: Invitae Variant Classification Sherloc (09022015). Collection method: clinical testing. Allele origin: germline.

PreventionGenetics, part of Exact Sciences
Classification: Likely benign for PRDM16-related condition. Last evaluated: 2022-09-01. Review status: no assertion criteria provided. Collection method: clinical testing. Allele origin: germline. Not counted in ClinVar's aggregate classification.
Comment: This variant is classified as likely benign based on ACMG/AMP sequence variant interpretation guidelines (Richards et al. 2015 PMID: 25741868, with internal and published modifications).